The following is an entry in ClinVar:

NM_017654.4(SAMD9):c.4745T>G (p.Leu1582Arg)

Gene: SAMD9 (sterile alpha motif domain containing 9; minus strand). Cytogenetic location: 7q21.2.
Variant type: single nucleotide variant.
Coding change: c.4745T>G on transcript NM_017654.4 (MANE Select); coding-DNA position 4745, T replaced by G.
Protein change: p.Leu1582Arg; replaces leucine 1582 with arginine.
Molecular consequence: missense variant.
Genome position (GRCh38, 1-based): chr7:93,101,353, A>C on the plus strand (T>G on the coding strand, the complement: SAMD9 is on the minus strand). VCF-style: chr7-93101353-A-C. GRCh37 (hg19) VCF-style: chr7-92730666-A-C.
Other names: c.4745T>G, p.Leu1582Arg (NM_001193307.2); short protein forms L1582R.
Identifiers: ClinVar variation 3949577 (VCV003949577.1).
Genomic context (GRCh38, chr7:93,101,353, plus strand): 5'-TGAGATCAAATTCTTGGAGGAAGAATATCAGGCTCTTAAACAATTTCAATGTCATAAGCA[A>C]GTGGGCCTCCAATGGAAAATCCCAGGTAAAAAGACACCTTCTCTATGCTTCTGCCACTTC-3'
Protein context (NP_060124.2, residues 1572-1589): FYLGFSIGGP[Leu1582Arg]AYDIEIV

ClinVar aggregate classification (germline): Uncertain significance (1 of 4 stars; one submission).

Conditions:
Inborn genetic diseases. Identifiers: MedGen C0950123, MeSH D030342.

Submission:

Ambry Genetics
Classification: Uncertain significance for Inborn genetic diseases. Last evaluated: 2025-04-20. Review status: criteria provided, single submitter. Criteria: Ambry Variant Classification Scheme 2023. Collection method: clinical testing. Allele origin: germline.
Comment: The p.L1582R variant (also known as c.4745T>G), located in coding exon 1 of the SAMD9 gene, results from a T to G substitution at nucleotide position 4745. The leucine at codon 1582 is replaced by arginine, an amino acid with dissimilar properties. This amino acid position is conserved. In addition, this alteration is predicted to be tolerated by in silico analysis. Based on the available evidence, the clinical significance of this variant remains unclear.